The following is an entry in ClinVar:

NM_018136.5(ASPM):c.5137C>T (p.Arg1713Cys)

Gene: ASPM (assembly factor for spindle microtubules; minus strand). Cytogenetic location: 1q31.3.
Variant type: single nucleotide variant.
Coding change: c.5137C>T on transcript NM_018136.5 (MANE Select); coding-DNA position 5137, C replaced by T.
Protein change: p.Arg1713Cys; replaces arginine 1713 with cysteine.
Molecular consequence: missense variant. On other transcripts: intron variant (1).
Genome position (GRCh38, 1-based): chr1:197,104,114, G>A on the plus strand (C>T on the coding strand, the complement: ASPM is on the minus strand). VCF-style: chr1-197104114-G-A. GRCh37 (hg19) VCF-style: chr1-197073244-G-A.
Other names: c.4066-7950C>T (NM_001206846.2); short protein forms R1713C.
Identifiers: ClinVar variation 2072672 (VCV002072672.5), dbSNP rs143911853, ClinGen allele CA1309808.

ClinVar aggregate classification (germline): Uncertain significance. Review status: criteria provided, single submitter (1 of 4 stars). 2 submissions from 2 submitters: Uncertain significance (1). 1 of the submissions does not count toward it. Last evaluated 2024-12-16.

Conditions:
EBV-positive nodal T- and NK-cell lymphoma.

Allele frequency attached by ClinVar (database versions not stated): ExAC 0.00002; gnomAD 0.00011; ESP Exome Variant Server 0.00015; 1000 Genomes Project 30x 0.00016; 1000 Genomes Project 0.00020.
gnomAD v4.1: 33 of 1,612,882 alleles (0.002%); highest among the groups gnomAD compares: African/African-American, 0.019%; 1 homozygote.

Submissions (2):

Labcorp Genetics (formerly Invitae), Labcorp
Classification: Uncertain significance. Last evaluated: 2024-12-16. Review status: criteria provided, single submitter. Criteria: Invitae Variant Classification Sherloc (09022015). Collection method: clinical testing. Allele origin: germline.
Comment: This sequence change replaces arginine, which is basic and polar, with cysteine, which is neutral and slightly polar, at codon 1713 of the ASPM protein (p.Arg1713Cys). This variant is present in population databases (rs143911853, gnomAD 0.02%), including at least one homozygous and/or hemizygous individual. This variant has not been reported in the literature in individuals affected with ASPM-related conditions. ClinVar contains an entry for this variant (Variation ID: 2072672). Invitae Evidence Modeling of protein sequence and biophysical properties (such as structural, functional, and spatial information, amino acid conservation, physicochemical variation, residue mobility, and thermodynamic stability) has been performed for this missense variant. However, the output from this modeling did not meet the statistical confidence thresholds required to predict the impact of this variant on ASPM protein function. In summary, the available evidence is currently insufficient to determine the role of this variant in disease. Therefore, it has been classified as a Variant of Uncertain Significance.

Department of Clinical Pathology, School of Medicine, Fujita Health University
Classification: Likely benign for EBV-positive nodal T- and NK-cell lymphoma. Review status: no assertion criteria provided. Collection method: research. Allele origin: unknown. Affected: yes. Not counted in ClinVar's aggregate classification.